The following is an entry in ClinVar:

NM_007186.6(CEP250):c.863T>C (p.Leu288Pro)

Gene: CEP250 (centrosomal protein 250; plus strand). Cytogenetic location: 20q11.22.
Variant type: single nucleotide variant.
Coding change: c.863T>C on transcript NM_007186.6 (MANE Select); coding-DNA position 863, T replaced by C.
Protein change: p.Leu288Pro; replaces leucine 288 with proline.
Molecular consequence: missense variant. On other transcripts: 5 prime UTR variant (1).
Genome position (GRCh38, 1-based): chr20:35,469,901, T>C. VCF-style: chr20-35469901-T-C. GRCh37 (hg19) VCF-style: chr20-34057726-T-C.
Other names: c.-1037T>C (NM_001318219.1); short protein forms L288P.
Identifiers: ClinVar variation 1052118 (VCV001052118.9), dbSNP rs747280346, ClinGen allele CA9832741.

ClinVar aggregate classification (germline): Uncertain significance. Review status: criteria provided, multiple submitters, no conflicts (2 of 4 stars). 2 submissions from 2 submitters: Uncertain significance (2). Last evaluated 2025-05-05.

Allele frequency attached by ClinVar (database versions not stated): ExAC 0.00001; gnomAD 0.00001; gnomAD exomes 0.00001 and 0.00002; TOPMed 0.00002.
gnomAD v4.1: 9 of 1,612,332 alleles (0.00056%); highest among the groups gnomAD compares: Admixed American, 0.013%; no homozygotes.

Submissions (2):

Labcorp Genetics (formerly Invitae), Labcorp
Classification: Uncertain significance. Last evaluated: 2025-05-05. Review status: criteria provided, single submitter. Criteria: Invitae Variant Classification Sherloc (09022015). Collection method: clinical testing. Allele origin: germline.
Comment: This sequence change replaces leucine, which is neutral and non-polar, with proline, which is neutral and non-polar, at codon 288 of the CEP250 protein (p.Leu288Pro). This variant is present in population databases (rs747280346, gnomAD 0.02%). This variant has not been reported in the literature in individuals affected with CEP250-related conditions. ClinVar contains an entry for this variant (Variation ID: 1052118). An algorithm developed to predict the effect of missense changes on protein structure and function (PolyPhen-2) suggests that this variant is likely to be disruptive. In summary, the available evidence is currently insufficient to determine the role of this variant in disease. Therefore, it has been classified as a Variant of Uncertain Significance.

Blueprint Genetics
Classification: Uncertain significance. Last evaluated: 2022-02-08. Review status: criteria provided, single submitter. Criteria: ACMG Guidelines, 2015. Collection method: clinical testing. Allele origin: germline.